The following is an entry in ClinVar:

NM_005876.5(SPEG):c.1072T>G (p.Ser358Ala)

Gene: SPEG (striated muscle enriched protein kinase; plus strand). Cytogenetic location: 2q35.
Variant type: single nucleotide variant.
Coding change: c.1072T>G on transcript NM_005876.5 (MANE Select); coding-DNA position 1072, T replaced by G.
Protein change: p.Ser358Ala; replaces serine 358 with alanine.
Molecular consequence: missense variant.
Genome position (GRCh38, 1-based): chr2:219,448,230, T>G. VCF-style: chr2-219448230-T-G. GRCh37 (hg19) VCF-style: chr2-220312952-T-G.
Other names: c.1102T>G, p.Ser368Ala (NM_001438924.1); c.895T>G, p.Ser299Ala (NM_001438925.1); c.790T>G, p.Ser264Ala (NM_001438926.1, NM_001438929.1); c.760T>G, p.Ser254Ala (NM_001438927.1); c.613T>G, p.Ser205Ala (NM_001438928.1, NM_001438933.1); c.583T>G, p.Ser195Ala (NM_001438930.1, NM_001438934.1); c.733T>G, p.Ser245Ala (NM_001438931.1); c.526T>G, p.Ser176Ala (NM_001438932.1); short protein forms S264A, S299A, S368A, S195A, S358A, S176A, S205A, S245A.
Identifiers: ClinVar variation 5030087 (VCV005030087.1).

ClinVar aggregate classification (germline): Uncertain significance (1 of 4 stars; one submission).

Conditions:
Inborn genetic diseases. Identifiers: MedGen C0950123, MeSH D030342.

gnomAD v4.1: 11 of 1,612,174 alleles (0.00068%); highest among the groups gnomAD compares: African/African-American, 0.013%; no homozygotes.

Submission:

Ambry Genetics
Classification: Uncertain significance for Inborn genetic diseases. Last evaluated: 2026-06-22. Review status: criteria provided, single submitter. Criteria: Ambry Variant Classification Scheme 2023. Collection method: clinical testing. Allele origin: germline.
Comment: The c.1072T>G (p.S358A) alteration is located in exon 4 (coding exon 4) of the SPEG gene. This alteration results from a T to G substitution at nucleotide position 1072, causing the serine (S) at amino acid position 358 to be replaced by an alanine (A). Based on data from gnomAD, the G allele has an overall frequency of 0.002% (4/241166) total alleles studied. The highest observed frequency was 0.028% (4/14342) of African alleles. Based on insufficient or conflicting evidence, the clinical significance of this alteration remains unclear.